The following is an entry in ClinVar:

ClinVar aggregate classification (germline): Pathogenic (1 of 4 stars; one submission).

Conditions:
Cardiovascular phenotype. Identifiers: MedGen CN230736.

Submission:

Ambry Genetics
Classification: Pathogenic for Cardiovascular phenotype. Last evaluated: 2020-09-25. Review status: criteria provided, single submitter. Criteria: Ambry Variant Classification Scheme 2023. Collection method: clinical testing. Allele origin: germline.
Comment: The c.1322+2T>G intronic pathogenic mutation results from a T to G substitution two nucleotides after coding exon 8 in the LPL gene. Alterations that disrupt the canonical splice site are expected to result in aberrant splicing. In silico splice site analysis predicts that this alteration will weaken the native splice donor site. The resulting transcript is predicted to be in-frame and is not expected to trigger nonsense-mediated mRNAdecay; however, direct evidence is unavailable. The exact functional effect of the missing amino acids is unknown; however, the impacted region is critical for protein function (Ambry internal data). This variant was not reported in population-based cohorts in the Genome Aggregation Database (gnomAD). Based on the supporting evidence, this alteration is interpreted as a disease-causing mutation.

NM_000237.3(LPL):c.1322+2T>G

Gene: LPL (lipoprotein lipase; plus strand). Cytogenetic location: 8p21.3.
Variant type: single nucleotide variant.
Coding change: c.1322+2T>G on transcript NM_000237.3 (MANE Select); the canonical splice donor site of the intron after coding-DNA position 1322, T replaced by G.
Molecular consequence: splice donor variant.
Genome position (GRCh38, 1-based): chr8:19,961,085, T>G. VCF-style: chr8-19961085-T-G. GRCh37 (hg19) VCF-style: chr8-19818596-T-G.
Identifiers: ClinVar variation 1769926 (VCV001769926.2), dbSNP rs2540111594, ClinGen allele CA370638927.